The following is an entry in ClinVar:

NM_001370298.3(FGD4):c.2602T>C (p.Trp868Arg)

Gene: FGD4 (FYVE, RhoGEF and PH domain containing 4; plus strand). Cytogenetic location: 12p11.21.
Variant type: single nucleotide variant.
Coding change: c.2602T>C on transcript NM_001370298.3 (MANE Select); coding-DNA position 2602, T replaced by C.
Protein change: p.Trp868Arg; replaces tryptophan 868 with arginine.
Molecular consequence: missense variant.
Genome position (GRCh38, 1-based): chr12:32,640,423, T>C. VCF-style: chr12-32640423-T-C. GRCh37 (hg19) VCF-style: chr12-32793357-T-C.
Other names: c.2446T>C, p.Trp816Arg (NM_001304481.2); c.1159T>C, p.Trp387Arg (NM_001304484.2); c.1912T>C, p.Trp638Arg (NM_001330373.2, NM_001330374.2, NM_001384130.1); c.1639T>C, p.Trp547Arg (NM_001370297.1); c.2602T>C, p.Trp868Arg (NM_001384126.1); c.2191T>C, p.Trp731Arg (NM_001384127.1, NM_001384128.1, NM_001385118.1 and 1 more transcripts); c.2191T>C (NM_139241.2); short protein forms W387R, W547R, W638R, W731R, W816R, W868R.
Identifiers: ClinVar variation 1050162 (VCV001050162.4), dbSNP rs980987965, ClinGen allele CA235247983.
Genomic context (GRCh38, chr12:32,640,423, plus strand): 5'-CTGACCCAGTCTAAGTCCGTGCACAGCTTTGCTGCAGACAGTGAGGAACTGAAGCAGAAG[T>C]GGCTGAAAGTCATCCTTTTAGCTGTCACAGGTGAGACACCAGGTGGTCCAAATGAGCATC-3'
Protein context (NP_001357227.2, residues 858-878): AADSEELKQK[Trp868Arg]LKVILLAVTG

ClinVar aggregate classification (germline): Uncertain significance. Review status: criteria provided, single submitter (1 of 4 stars). 2 submissions from 2 submitters: Uncertain significance (1). 1 of the submissions does not count toward it. Last evaluated 2021-08-02.

Conditions:
Inborn genetic diseases. Identifiers: MedGen C0950123, MeSH D030342.

Allele frequency attached by ClinVar (database versions not stated): gnomAD exomes below 0.00001; TOPMed below 0.00001.
gnomAD v4.1: 6 of 1,614,160 alleles (0.00037%); highest among the groups gnomAD compares: Non-Finnish European, 0.00051%; no homozygotes.

Submissions (2):

Ambry Genetics
Classification: Uncertain significance for Inborn genetic diseases. Last evaluated: 2021-08-02. Review status: criteria provided, single submitter. Criteria: Ambry Variant Classification Scheme 2023. Collection method: clinical testing. Allele origin: germline.

Department of Pathology and Laboratory Medicine, Sinai Health System
Classification: Uncertain significance. Review status: no assertion criteria provided. Collection method: clinical testing. Allele origin: unknown. Affected: yes. Study: The Canadian Open Genetics Repository (COGR). Not counted in ClinVar's aggregate classification.
Comment: The FGD4 p.Trp843Arg variant was not identified in the literature nor was it identified in ClinVar or LOVD 3.0. The variant was identified in dbSNP (ID: rs980987965) and in control databases in 1 of 251206 chromosomes at a frequency of 0.000003981 (Genome Aggregation Database March 6, 2019, v2.1.1). The variant was observed in the European (non-Finnish) population in 1 of 113502 chromosomes (freq: 0.000009), but was not observed in the African, Latino, Ashkenazi Jewish, East Asian, European (Finnish), Other, or South Asian populations. The p.Trp843 residue is conserved across mammals and other organisms, and computational analyses (PolyPhen-2, SIFT, AlignGVGD, BLOSUM, MutationTaster) suggest that the variant may impact the protein; however, this information is not predictive enough to assume pathogenicity. The variant occurs outside of the splicing consensus sequence and in silico or computational prediction software programs (SpliceSiteFinder, MaxEntScan, NNSPLICE, GeneSplicer) do not predict a difference in splicing. In summary, based on the above information the clinical significance of this variant cannot be determined with certainty at this time. This variant is classified as a variant of uncertain significance.